The following is an entry in ClinVar:

NM_002506.3(NGF):c.530C>T (p.Thr177Ile)

Genes: NGF-AS1 (NGF antisense RNA 1; plus strand), NGF (nerve growth factor; minus strand). Cytogenetic location: 1p13.2.
Variant type: single nucleotide variant.
Coding change: c.530C>T on transcript NM_002506.3 (MANE Select); coding-DNA position 530, C replaced by T.
Protein change: p.Thr177Ile; replaces threonine 177 with isoleucine.
Molecular consequence: missense variant.
Genome position (GRCh38, 1-based): chr1:115,286,266, G>A on the plus strand (C>T on the coding strand, the complement: NGF is on the minus strand). VCF-style: chr1-115286266-G-A. GRCh37 (hg19) VCF-style: chr1-115828887-G-A.
Other names: short protein forms T177I.
Identifiers: ClinVar variation 1517452 (VCV001517452.8), dbSNP rs777582167, ClinGen allele CA1022957.
Genomic context (GRCh38, chr1:115,286,266, plus strand): 5'-CAGTGCTTTGAGTCAATGCCCCGGCACCCGCTGTCAACGGGATTTGGGTCCCGGCACTTG[G>A]TCTCAAAAAAGTACTGTTTGAATACACTGTTGTTAATGTTCACCTCTCCCAACACCATCA-3'
Protein context (NP_002497.2, residues 167-187): NSVFKQYFFE[Thr177Ile]KCRDPNPVDS

ClinVar aggregate classification (germline): Uncertain significance (1 of 4 stars; one submission).

Conditions:
Congenital sensory neuropathy with selective loss of small myelinated fibers (HSAN5). Also called: HSAN Type V. Identifiers: Orphanet 64752, MedGen C0020075, MONDO:0012092, OMIM 608654.

Allele frequency attached by ClinVar (database versions not stated): ExAC 0.00001; gnomAD 0.00001; gnomAD exomes 0.00001; TOPMed 0.00001.
gnomAD v4.1: 15 of 1,614,104 alleles (0.00093%); highest among the groups gnomAD compares: South Asian, 0.0077%; no homozygotes.

Submission:

Labcorp Genetics (formerly Invitae), Labcorp
Classification: Uncertain significance for Congenital sensory neuropathy with selective loss of small myelinated fibers. Last evaluated: 2022-07-19. Review status: criteria provided, single submitter. Criteria: Invitae Variant Classification Sherloc (09022015). Collection method: clinical testing. Allele origin: germline.
Comment: This sequence change replaces threonine, which is neutral and polar, with isoleucine, which is neutral and non-polar, at codon 177 of the NGF protein (p.Thr177Ile). This variant is present in population databases (rs777582167, gnomAD 0.006%). This variant has not been reported in the literature in individuals affected with NGF-related conditions. ClinVar contains an entry for this variant (Variation ID: 1517452). Algorithms developed to predict the effect of missense changes on protein structure and function (SIFT, PolyPhen-2, Align-GVGD) all suggest that this variant is likely to be disruptive. In summary, the available evidence is currently insufficient to determine the role of this variant in disease. Therefore, it has been classified as a Variant of Uncertain Significance.